The following is an entry in ClinVar:

ClinVar aggregate classification (germline): Benign. Review status: criteria provided, multiple submitters, no conflicts (2 of 4 stars). 4 submissions from 4 submitters: Benign (4). Last evaluated 2021-09-10.

Conditions:
Thrombocythemia 1 (THCYT1). Also called: THROMBOCYTOSIS 1; THROMBOCYTHEMIA, SOMATIC. Identifiers: MedGen C3277671, MONDO:0008554, OMIM 187950.

Allele frequency attached by ClinVar (database versions not stated): 1000 Genomes Project 0.64058; gnomAD 0.64132 and 0.65138; 1000 Genomes Project 30x 0.65397; ESP Exome Variant Server 0.67008; TOPMed 0.67765.
gnomAD v4.1: 886,196 of 1,612,896 alleles (55%); highest among the groups gnomAD compares: African/African-American, 92%; 252,407 homozygotes.

Submissions (4):

Genome-Nilou Lab
Classification: Benign for Thrombocythemia 1. Last evaluated: 2021-09-10. Review status: criteria provided, single submitter. Criteria: ACMG Guidelines, 2015. Collection method: clinical testing. Allele origin: germline. Affected: no.

GeneDx
Classification: Benign. Last evaluated: 2018-10-16. Review status: criteria provided, single submitter. Criteria: GeneDx Variant Classification Process June 2021. Collection method: clinical testing. Allele origin: germline. Affected: yes.
Comment: This variant is associated with the following publications: (PMID: 11257273)

Illumina Laboratory Services, Illumina
Classification: Benign for Thrombocythemia 1. Last evaluated: 2018-03-06. Review status: criteria provided, single submitter. Criteria: ICSL Variant Classification Criteria 13 December 2019. Collection method: clinical testing. Allele origin: germline.
Comment: This variant was observed in the ICSL laboratory as part of a predisposition screen in an ostensibly healthy population. It had not been previously curated by ICSL or reported in the Human Gene Mutation Database (HGMD: prior to June 1st, 2018), and was therefore a candidate for classification through an automated scoring system. Utilizing variant allele frequency, disease prevalence and penetrance estimates, and inheritance mode, an automated score was calculated to assess if this variant is too frequent to cause the disease. Based on the score and internal cut-off values, a variant classified as benign is not then subjected to further curation. The score for this variant resulted in a classification of benign for this disease.

Breakthrough Genomics
Classification: Benign. Review status: criteria provided, single submitter. Criteria: ACMG Guidelines, 2015. Collection method: not provided. Allele origin: germline. Inheritance: Autosomal dominant inheritance. Affected: yes.

NM_000460.4(THPO):c.*35G>A

Gene: THPO (thrombopoietin; minus strand). Cytogenetic location: 3q27.1.
Variant type: single nucleotide variant.
Coding change: c.*35G>A on transcript NM_000460.4 (MANE Select); 35 bases downstream of the stop codon, G replaced by A.
Molecular consequence: 3 prime UTR variant.
Genome position (GRCh38, 1-based): chr3:184,372,478, C>T on the plus strand (G>A on the coding strand, the complement: THPO is on the minus strand). VCF-style: chr3-184372478-C-T. GRCh37 (hg19) VCF-style: chr3-184090266-C-T.
Other names: c.*120G>A (NM_001177598.2, NM_001289997.1, NM_001290027.1 and 1 more transcripts); c.*35G>A (NM_001290028.1, NM_001289998.1, NM_001290003.1 and 3 more transcripts).
Identifiers: ClinVar variation 344369 (VCV000344369.10), dbSNP rs6141, ClinGen allele CA2734796.